The following is an entry in ClinVar:

NM_021815.5(SLC5A7):c.904C>A (p.Gln302Lys)

Gene: SLC5A7 (solute carrier family 5 member 7; plus strand). Cytogenetic location: 2q12.3.
Variant type: single nucleotide variant.
Coding change: c.904C>A on transcript NM_021815.5 (MANE Select); coding-DNA position 904, C replaced by A.
Protein change: p.Gln302Lys; replaces glutamine 302 with lysine.
Molecular consequence: missense variant.
Genome position (GRCh38, 1-based): chr2:108,008,473, C>A. VCF-style: chr2-108008473-C-A. GRCh37 (hg19) VCF-style: chr2-108624929-C-A.
Other names: c.904C>A, p.Gln302Lys (NM_001305005.3); c.589C>A, p.Gln197Lys (NM_001305006.3); c.163C>A, p.Gln55Lys (NM_001305007.3); short protein forms Q55K, Q197K, Q302K.
Identifiers: ClinVar variation 4782715 (VCV004782715.1).
Genomic context (GRCh38, chr2:108,008,473, plus strand): 5'-AAGAACATTTGGTTCCTTGGTGGTTATAATGGTTGTTGATTCTGTTCAACAGACTGGAAC[C>A]AGACTGCATATGGGCTTCCAGATCCCAAGACTACAGAAGAGGCAGACATGATTTTACCAA-3'
Protein context (NP_068587.1, residues 292-312): GAIGASTDWN[Gln302Lys]TAYGLPDPKT

ClinVar aggregate classification (germline): Uncertain significance (1 of 4 stars; one submission).

Conditions:
Congenital myasthenic syndrome 20. Also called: Myasthenic syndrome, congenital, 20, presynaptic. Identifiers: MedGen C4310694, MONDO:0014939, OMIM 617143.
Neuronopathy, distal hereditary motor, type 7A. Also called: Neuronopathy, distal hereditary motor, type viia; NEURONOPATHY, DISTAL HEREDITARY MOTOR, HARDING TYPE VIIA; NEUROPATHY, DISTAL HEREDITARY MOTOR, HARDING TYPE VIIA; Neuronopathy, distal hereditary motor, autosomal dominant 7; HARPER-YOUNG MYOPATHY; HMN VIIA. Identifiers: Orphanet 139589, MedGen C1834703, MONDO:0008024, OMIM 158580.

Submission:

Labcorp Genetics (formerly Invitae), Labcorp
Classification: Uncertain significance for Neuronopathy, distal hereditary motor, type 7A; Congenital myasthenic syndrome 20. Last evaluated: 2025-04-01. Review status: criteria provided, single submitter. Criteria: Invitae Variant Classification Sherloc (09022015). Collection method: clinical testing. Allele origin: germline.
Comment: This sequence change replaces glutamine, which is neutral and polar, with lysine, which is basic and polar, at codon 302 of the SLC5A7 protein (p.Gln302Lys). This variant is present in population databases (rs755009293, gnomAD 0.007%). This variant has not been reported in the literature in individuals affected with SLC5A7-related conditions. Invitae Evidence Modeling of protein sequence and biophysical properties (such as structural, functional, and spatial information, amino acid conservation, physicochemical variation, residue mobility, and thermodynamic stability) indicates that this missense variant is not expected to disrupt SLC5A7 protein function with a negative predictive value of 80%. In summary, the available evidence is currently insufficient to determine the role of this variant in disease. Therefore, it has been classified as a Variant of Uncertain Significance.